The following is an entry in ClinVar:

NM_001904.4(CTNNB1):c.807del (p.Met271fs)

Gene: CTNNB1 (catenin beta 1; plus strand). Cytogenetic location: 3p22.1.
Variant type: Deletion.
Coding change: c.807del on transcript NM_001904.4 (MANE Select); coding-DNA position 807, one base deleted (T; older notation c.807delT).
Protein change: p.Met271fs; shifts the reading frame from methionine 271.
Molecular consequence: frameshift variant.
Genome position (GRCh38, 1-based): chr3:41,225,732, T deleted. VCF-style (leftmost placement, unchanged base first): chr3-41225731-CT-C. GRCh37 (hg19) VCF-style: chr3-41267222-CT-C.
Other names: NM_001904.4(CTNNB1):c.807del; p.Met271fs; c.807del, p.Met271fs (NM_001098209.2, NM_001098210.2); c.786del, p.Met264fs (NM_001330729.2); c.807delT (NM_001904.3); short protein forms M264fs, M271fs.
Identifiers: ClinVar variation 930112 (VCV000930112.7), dbSNP rs2078160286, ClinGen allele CA1139658000.

ClinVar aggregate classification (germline): Pathogenic. Review status: criteria provided, multiple submitters, no conflicts (2 of 4 stars). 2 submissions from 2 submitters: Pathogenic (2). Last evaluated 2023-05-02.

Conditions:
Severe intellectual disability-progressive spastic diplegia syndrome (NEDSDV). Also called: NEURODEVELOPMENTAL DISORDER WITH SPASTIC DIPLEGIA AND VISUAL DEFECTS; CTNNB1 Neurodevelopmental Disorder. Identifiers: Orphanet 404473, MedGen C3554449, MONDO:0014035, OMIM 615075.
CTNNB1-related neurodevelopmental disorder and/or vitreoretinopathy. Identifiers: MedGen CN377755, MONDO:0100571.

Submissions (2):

Broad Center for Mendelian Genomics, Broad Institute of MIT and Harvard
Classification: Pathogenic for Severe intellectual disability-progressive spastic diplegia syndrome. Last evaluated: 2023-05-02. Review status: criteria provided, single submitter. Criteria: ACMG Guidelines, 2015. Collection method: curation. Allele origin: germline. Inheritance: Autosomal dominant inheritance.
Comment: Trio genome analysis showed this variant to be de novo. The p.Met271TrpfsTer5 variant in CTNNB1 has not been previously reported in the literature in individuals with neurodevelopmental disorder with spastic diplegia and visual defects. This variant has also been reported in ClinVar (Variation ID: 930112) and has been interpreted as pathogenic by Laboratory for Molecular Medicine, Mass General Brigham Personalized Medicine. This variant was absent from large population studies. This variant is predicted to cause a frameshift, which alters the protein‚Äôs amino acid sequence beginning at position 271 and leads to a premature termination codon 5 amino acids downstream. This alteration is then predicted to lead to a truncated or absent protein. Heterozygous loss of function of the CTNNB1 gene is an established disease mechanism in autosomal dominant neurodevelopmental disorder with spastic diplegia and visual defects. In summary, this variant meets criteria to be classified as pathogenic for autosomal dominant neurodevelopmental disorder with spastic diplegia and visual defects. ACMG/AMP Criteria applied: PVS1, PS2_Supporting, PM2_Supporting (Richards 2015).

Laboratory for Molecular Medicine, Mass General Brigham Personalized Medicine
Classification: Pathogenic for Severe intellectual disability-progressive spastic diplegia syndrome. Last evaluated: 2019-12-02. Review status: criteria provided, single submitter. Criteria: LMM Criteria. Collection method: clinical testing. Allele origin: germline. Inheritance: Autosomal dominant inheritance. Observed: 1 variant allele.
Comment: The p.Met271TrpfsX5 variant in CTNNB1 has not been previously reported in individuals with neurodevelopmental disorder with spastic diplegia and visual defects and is absent from large population studies. However, this variant was confirmed to be de novo in an individual with global developmental delay with absent speech, autism spectrum disorder, hypotonia and hypertonia, dental abnormalities, and esotropia by the Broad Institute Rare Genomes Project. This variant is predicted to cause a frameshift, which alters the proteinâ€™s amino acid sequence beginning at position 271 and is predicted to lead to a truncated or absent protein. Heterozygous loss of function of the CTNNB1 gene is an established disease mechanism in individuals with neurodevelopmental disorder with spastic diplegia and visual defects. In summary, this variant meets criteria to be classified as pathogenic for neurodevelopmental disorder with spastic diplegia and visual defects in an autosomal dominant manner based upon de novo occurrence, its absence from the general population, and its predicted impact on the protein. ACMG/AMP Criteria applied: PS2, PM2, PVS1.